The following is an entry in ClinVar:

NM_003680.4(YARS1):c.1042+1G>A

Gene: YARS1 (tyrosyl-tRNA synthetase 1; minus strand). Cytogenetic location: 1p35.1.
Variant type: single nucleotide variant.
Coding change: c.1042+1G>A on transcript NM_003680.4 (MANE Select); the canonical splice donor site of the intron after coding-DNA position 1042, G replaced by A.
Molecular consequence: splice donor variant.
Genome position (GRCh38, 1-based): chr1:32,782,403, C>T on the plus strand (G>A on the coding strand, the complement: YARS1 is on the minus strand). VCF-style: chr1-32782403-C-T. GRCh37 (hg19) VCF-style: chr1-33248004-C-T.
Identifiers: ClinVar variation 3680116 (VCV003680116.2).

ClinVar aggregate classification (germline): Uncertain significance (1 of 4 stars; one submission).

Conditions:
Charcot-Marie-Tooth disease dominant intermediate C (CMTDIC). Also called: CHARCOT-MARIE-TOOTH NEUROPATHY, DOMINANT INTERMEDIATE C. Identifiers: Orphanet 100045, MedGen C1842237, MONDO:0012012, OMIM 608323.

gnomAD v4.1: 1 of 1,613,984 alleles (0.000062%); highest among the groups gnomAD compares: Non-Finnish European, 0.000085%; no homozygotes.

Submission:

Labcorp Genetics (formerly Invitae), Labcorp
Classification: Uncertain significance for Charcot-Marie-Tooth disease dominant intermediate C. Last evaluated: 2024-10-16. Review status: criteria provided, single submitter. Criteria: Invitae Variant Classification Sherloc (09022015). Collection method: clinical testing. Allele origin: germline.
Comment: This sequence change affects a donor splice site in intron 9 of the YARS gene. It is expected to disrupt RNA splicing. Variants that disrupt the donor or acceptor splice site typically lead to a loss of protein function (PMID: 16199547), however the current clinical and genetic evidence is not sufficient to establish whether loss-of-function variants in YARS cause disease. This variant is not present in population databases (gnomAD no frequency). This variant has not been reported in the literature in individuals affected with YARS-related conditions. Algorithms developed to predict the effect of sequence changes on RNA splicing suggest that this variant may disrupt the consensus splice site. In summary, the available evidence is currently insufficient to determine the role of this variant in disease. Therefore, it has been classified as a Variant of Uncertain Significance.

Literature cited by the submitters: PubMed 16199547.